The following is an entry in ClinVar:

NM_003745.2(SOCS1):c.46G>C (p.Ala16Pro)

Genes: SOCS1 (suppressor of cytokine signaling 1; minus strand), LOC130058479 (ATAC-STARR-seq lymphoblastoid silent region 7198; plus strand). Cytogenetic location: 16p13.13.
Variant type: single nucleotide variant.
Coding change: c.46G>C on transcript NM_003745.2 (MANE Select); coding-DNA position 46, G replaced by C.
Protein change: p.Ala16Pro; replaces alanine 16 with proline.
Molecular consequence: missense variant.
Genome position (GRCh38, 1-based): chr16:11,255,433, C>G on the plus strand (G>C on the coding strand, the complement: SOCS1 is on the minus strand). VCF-style: chr16-11255433-C-G. GRCh37 (hg19) VCF-style: chr16-11349290-C-G.
Other names: short protein forms A16P.
Identifiers: ClinVar variation 2628904 (VCV002628904.1), dbSNP rs537872317, ClinGen allele CA7902322.

ClinVar aggregate classification (germline): Uncertain significance (1 of 4 stars; one submission).

Conditions:
SOCS1-related disorder. Also called: SOCS1-related condition.

Allele frequency attached by ClinVar (database versions not stated): ExAC 0.00042.
gnomAD v4.1: 10 of 1,317,840 alleles (0.00076%); highest among the groups gnomAD compares: African/African-American, 0.011%; no homozygotes.

Submission:

PreventionGenetics, part of Exact Sciences
Classification: Uncertain significance for SOCS1-related condition. Last evaluated: 2023-02-06. Review status: criteria provided, single submitter. Criteria: ACMG Guidelines, 2015. Collection method: clinical testing. Allele origin: germline.
Comment: The SOCS1 c.46G>C variant is predicted to result in the amino acid substitution p.Ala16Pro. To our knowledge, this variant has not been reported in the literature. This variant is reported in 2 of ~45,000 alleles in gnomAD: However, the quality of data at this position is questionable and should be interpreted with caution. At this time, the clinical significance of this variant is uncertain due to the absence of conclusive functional and genetic evidence.